The following is an entry in ClinVar:

ClinVar aggregate classification (germline): Pathogenic/Likely pathogenic. Review status: criteria provided, multiple submitters, no conflicts (2 of 4 stars). 2 submissions from 2 submitters: Pathogenic (1); Likely pathogenic (1). Last evaluated 2022-01-01.

Conditions:
Wilson disease (WND). Also called: Wilson's disease. Identifiers: Orphanet 905, MedGen C0019202, MONDO:0010200, OMIM 277900. Disease mechanism: loss of function.

Submissions (2):

Labcorp Genetics (formerly Invitae), Labcorp
Classification: Pathogenic for Wilson disease. Last evaluated: 2022-01-01. Review status: criteria provided, single submitter. Criteria: Invitae Variant Classification Sherloc (09022015). Collection method: clinical testing. Allele origin: germline.
Comment: This sequence change creates a premature translational stop signal (p.Leu1057Trpfs*64) in the ATP7B gene. It is expected to result in an absent or disrupted protein product. Loss-of-function variants in ATP7B are known to be pathogenic (PMID: 10441329, 16283883). This variant is not present in population databases (gnomAD no frequency). This variant has not been reported in the literature in individuals affected with ATP7B-related conditions. ClinVar contains an entry for this variant (Variation ID: 1175201). Algorithms developed to predict the effect of sequence changes on RNA splicing suggest that this variant may create or strengthen a splice site. For these reasons, this variant has been classified as Pathogenic.

Beijing Key Laboratry for Genetics of Birth Defects, Beijing Children's Hospital
Classification: Likely pathogenic for Wilson disease. Last evaluated: 2020-02-28. Review status: criteria provided, single submitter. Criteria: ACMG Guidelines, 2015. Collection method: clinical testing. Allele origin: germline. Affected: yes. Observed: 1 variant allele.

Literature cited by the submitters: PubMed 10441329 (cited by Labcorp Genetics (formerly Invitae), Labcorp); PubMed 16283883 (cited by Labcorp Genetics (formerly Invitae), Labcorp).

NM_000053.4(ATP7B):c.3168del (p.Leu1057fs)

Gene: ATP7B (ATPase copper transporting beta; minus strand). Cytogenetic location: 13q14.3.
Variant type: Deletion.
Coding change: c.3168del on transcript NM_000053.4 (MANE Select); coding-DNA position 3168, one base deleted (T; older notation c.3168delT).
Protein change: p.Leu1057fs; shifts the reading frame from leucine 1057.
Molecular consequence: frameshift variant.
Genome position (GRCh38, 1-based): chr13:51,944,184, A deleted on the plus strand (T on the coding strand, the reverse complement: ATP7B is on the minus strand); the first of 2 consecutive A bases (chr13:51,944,184-51,944,185); deleting either gives the same sequence. VCF-style (leftmost placement, unchanged base first): chr13-51944183-GA-G. GRCh37 (hg19) VCF-style: chr13-52518319-GA-G.
Other names: c.2547del, p.Leu850fs (NM_001005918.3); c.2835del, p.Leu946fs (NM_001243182.2); c.2934del, p.Leu979fs (NM_001330578.2); c.2916del, p.Leu973fs (NM_001330579.2); short protein forms L1057fs, L850fs, L946fs, L973fs, L979fs.
Identifiers: ClinVar variation 1175201 (VCV001175201.7), dbSNP rs2138950870, ClinGen allele CA2499222490.